The following is an entry in ClinVar:

NM_001039348.3(EFEMP1):c.-67G>A

Gene: EFEMP1 (EGF-like fibulin extracellular matrix protein 1; minus strand). Cytogenetic location: 2p16.1.
Variant type: single nucleotide variant.
Coding change: c.-67G>A on transcript NM_001039348.3 (MANE Select); 67 bases upstream of the start codon, G replaced by A.
Molecular consequence: 5 prime UTR variant.
Genome position (GRCh38, 1-based): chr2:55,923,729, C>T on the plus strand (G>A on the coding strand, the complement: EFEMP1 is on the minus strand). VCF-style: chr2-55923729-C-T. GRCh37 (hg19) VCF-style: chr2-56150864-C-T.
Other names: c.-26G>A (NM_001039349.3).
Identifiers: ClinVar variation 336637 (VCV000336637.6), dbSNP rs3762515, ClinGen allele CA10615603.

ClinVar aggregate classification (germline): Benign. Review status: criteria provided, multiple submitters, no conflicts (2 of 4 stars). 2 submissions from 2 submitters: Benign (2). Last evaluated 2018-01-13.

Conditions:
Doyne honeycomb retinal dystrophy (DHRD). Also called: DOYNE HONEYCOMB DEGENERATION OF RETINA; MALATTIA LEVENTINESE; DRUSEN, RADIAL, AUTOSOMAL DOMINANT. Identifiers: Orphanet 75376, MedGen C1832174, MONDO:0007471, OMIM 126600.

Allele frequency attached by ClinVar (database versions not stated): 1000 Genomes Project 30x 0.06277; 1000 Genomes Project 0.06370; gnomAD 0.07418 and 0.07451; TOPMed 0.07698; gnomAD exomes 0.09392.
gnomAD v4.1: 89,437 of 985,834 alleles (9.1%); highest among the groups gnomAD compares: Admixed American, 10%; 4,179 homozygotes.

Submissions (2):

Illumina Laboratory Services, Illumina
Classification: Benign for Doyne honeycomb retinal dystrophy. Last evaluated: 2018-01-13. Review status: criteria provided, single submitter. Criteria: ICSL Variant Classification Criteria 13 December 2019. Collection method: clinical testing. Allele origin: germline.
Comment: This variant was observed in the ICSL laboratory as part of a predisposition screen in an ostensibly healthy population. It had not been previously curated by ICSL or reported in the Human Gene Mutation Database (HGMD: prior to June 1st, 2018), and was therefore a candidate for classification through an automated scoring system. Utilizing variant allele frequency, disease prevalence and penetrance estimates, and inheritance mode, an automated score was calculated to assess if this variant is too frequent to cause the disease. Based on the score and internal cut-off values, a variant classified as benign is not then subjected to further curation. The score for this variant resulted in a classification of benign for this disease.

Breakthrough Genomics
Classification: Benign. Review status: criteria provided, single submitter. Criteria: ACMG Guidelines, 2015. Collection method: not provided. Allele origin: germline. Inheritance: Autosomal dominant inheritance. Affected: yes.